The following is an entry in ClinVar:

NM_133510.4(RAD51B):c.203A>G (p.Tyr68Cys)

Gene: RAD51B (RAD51 paralog B; plus strand). Cytogenetic location: 14q24.1.
Variant type: single nucleotide variant.
Coding change: c.203A>G on transcript NM_133510.4 (MANE Select); coding-DNA position 203, A replaced by G.
Protein change: p.Tyr68Cys; replaces tyrosine 68 with cysteine.
Molecular consequence: missense variant. On other transcripts: 5 prime UTR variant (1).
Genome position (GRCh38, 1-based): chr14:67,835,084, A>G. VCF-style: chr14-67835084-A-G. GRCh37 (hg19) VCF-style: chr14-68301801-A-G.
Other names: c.203A>G (NM_133510.3); c.203A>G, p.Tyr68Cys (NM_001321809.2, NM_001321810.2, NM_001321812.1 and 6 more transcripts); c.89A>G, p.Tyr30Cys (NM_001321815.1); c.-253A>G (NM_001321817.2); short protein forms Y30C, Y68C.
Identifiers: ClinVar variation 830255 (VCV000830255.3), dbSNP rs773742806, ClinGen allele CA7240999.

ClinVar aggregate classification (germline): Uncertain significance. Review status: criteria provided, multiple submitters, no conflicts (2 of 4 stars). 2 submissions from 2 submitters: Uncertain significance (2). Last evaluated 2025-01-09.

Conditions:
Hereditary breast ovarian cancer syndrome. Also called: Hereditary breast and/or ovarian cancer syndrome; Hereditary breast and ovarian cancer syndrome (HBOC); Breast and ovarian cancer; Hereditary breast and ovarian cancer; BRCA1- and BRCA2-Associated Hereditary Breast and Ovarian Cancer; Hereditary breast and ovarian cancer syndrome. Identifiers: Orphanet 145, MedGen C0677776, MeSH D061325, MONDO:0003582. Disease mechanism: loss of function.

Allele frequency attached by ClinVar (database versions not stated): gnomAD exomes 0.00001 and 0.00003; ExAC 0.00002.
gnomAD v4.1: 13 of 1,607,408 alleles (0.00081%); highest among the groups gnomAD compares: South Asian, 0.0099%; no homozygotes.

Submissions (2):

Ambry Genetics
Classification: Uncertain significance. Last evaluated: 2025-01-09. Review status: criteria provided, single submitter. Criteria: Ambry Variant Classification Scheme 2023. Collection method: clinical testing. Allele origin: germline.
Comment: The p.Y68C variant (also known as c.203A>G), located in coding exon 3 of the RAD51B gene, results from an A to G substitution at nucleotide position 203. The tyrosine at codon 68 is replaced by cysteine, an amino acid with highly dissimilar properties. This amino acid position is not well conserved in available vertebrate species. In addition, this alteration is predicted to be tolerated by in silico analysis. The evidence for this gene-disease relationship is limited; therefore, the clinical significance of this alteration is unclear.

Cancer Genomics Group, Japanese Foundation For Cancer Research
Classification: Uncertain significance for Hereditary breast and ovarian cancer syndrome. Last evaluated: 2019-05-01. Review status: criteria provided, single submitter. Criteria: ACMG Guidelines, 2015. Collection method: research. Allele origin: germline. Affected: yes.